The following is an entry in ClinVar:

ClinVar aggregate classification (germline): Uncertain significance (1 of 4 stars; one submission).

gnomAD v4.1: 1 of 1,583,136 alleles (0.000063%); highest among the groups gnomAD compares: Non-Finnish European, 0.000086%; no homozygotes.

Submission:

GeneDx
Classification: Uncertain significance. Last evaluated: 2023-11-07. Review status: criteria provided, single submitter. Criteria: GeneDx Variant Classification Process June 2021. Collection method: clinical testing. Allele origin: germline. Affected: yes.
Comment: Not observed at significant frequency in large population cohorts (gnomAD); In silico analysis supports that this missense variant does not alter protein structure/function; Has not been previously published as pathogenic or benign to our knowledge

NM_014946.4(SPAST):c.58G>C (p.Val20Leu)

Gene: SPAST (spastin; plus strand). Cytogenetic location: 2p22.3.
Variant type: single nucleotide variant.
Coding change: c.58G>C on transcript NM_014946.4 (MANE Select); coding-DNA position 58, G replaced by C.
Protein change: p.Val20Leu; replaces valine 20 with leucine.
Molecular consequence: missense variant.
Genome position (GRCh38, 1-based): chr2:32,063,889, G>C. VCF-style: chr2-32063889-G-C. GRCh37 (hg19) VCF-style: chr2-32288958-G-C.
Other names: c.58G>C, p.Val20Leu (NM_001363823.2, NM_001363875.2, NM_001377959.1 and 1 more transcripts); short protein forms V20L.
Identifiers: ClinVar variation 3363774 (VCV003363774.1).